The following is an entry in ClinVar:

NM_015202.5(KATNIP):c.1553G>A (p.Arg518Gln)

Genes: KATNIP (katanin interacting protein; plus strand), LOC100128079 (uncharacterized LOC100128079; minus strand). Cytogenetic location: 16p12.1.
Variant type: single nucleotide variant.
Coding change: c.1553G>A on transcript NM_015202.5 (MANE Select); coding-DNA position 1553, G replaced by A.
Protein change: p.Arg518Gln; replaces arginine 518 with glutamine.
Molecular consequence: missense variant. On other transcripts: non-coding transcript variant (1).
Genome position (GRCh38, 1-based): chr16:27,708,868, G>A. VCF-style: chr16-27708868-G-A. GRCh37 (hg19) VCF-style: chr16-27720189-G-A.
Other names: c.1553G>A (NM_015202.2); short protein forms R518Q.
Identifiers: ClinVar variation 1902867 (VCV001902867.7), dbSNP rs754710041, ClinGen allele CA7977736.

ClinVar aggregate classification (germline): Uncertain significance. Review status: criteria provided, multiple submitters, no conflicts (2 of 4 stars). 3 submissions from 3 submitters: Uncertain significance (3). Last evaluated 2025-06-11.

Allele frequency attached by ClinVar (database versions not stated): gnomAD 0.00001; TOPMed 0.00001; ExAC 0.00002; gnomAD exomes 0.00002.

Submissions (3):

Ambry Genetics
Classification: Uncertain significance. Last evaluated: 2025-06-11. Review status: criteria provided, single submitter. Criteria: Ambry Variant Classification Scheme 2023. Collection method: clinical testing. Allele origin: germline.

Labcorp Genetics (formerly Invitae), Labcorp
Classification: Uncertain significance. Last evaluated: 2024-11-04. Review status: criteria provided, single submitter. Criteria: Invitae Variant Classification Sherloc (09022015). Collection method: clinical testing. Allele origin: germline.
Comment: This sequence change replaces arginine, which is basic and polar, with glutamine, which is neutral and polar, at codon 518 of the KIAA0556 protein (p.Arg518Gln). This variant is present in population databases (rs754710041, gnomAD 0.006%). This variant has not been reported in the literature in individuals affected with KIAA0556-related conditions. ClinVar contains an entry for this variant (Variation ID: 1902867). An algorithm developed to predict the effect of missense changes on protein structure and function outputs the following: PolyPhen-2: "Benign". The glutamine amino acid residue is found in multiple mammalian species, which suggests that this missense change does not adversely affect protein function. In summary, the available evidence is currently insufficient to determine the role of this variant in disease. Therefore, it has been classified as a Variant of Uncertain Significance.

Blueprint Genetics
Classification: Uncertain significance. Last evaluated: 2024-10-17. Review status: criteria provided, single submitter. Criteria: ACMG Guidelines, 2015. Collection method: clinical testing. Allele origin: germline.